The following is an entry in ClinVar:

NM_005251.3(FOXC2):c.377T>C (p.Leu126Pro)

Genes: FOXC2 (forkhead box C2; plus strand), FOXC2-AS1 (FOXC2 antisense RNA 1; minus strand). Cytogenetic location: 16q24.1.
Variant type: single nucleotide variant.
Coding change: c.377T>C on transcript NM_005251.3 (MANE Select); coding-DNA position 377, T replaced by C.
Protein change: p.Leu126Pro; replaces leucine 126 with proline.
Molecular consequence: missense variant. On other transcripts: non-coding transcript variant (1).
Genome position (GRCh38, 1-based): chr16:86,567,712, T>C. VCF-style: chr16-86567712-T-C. GRCh37 (hg19) VCF-style: chr16-86601318-T-C.
Other names: short protein forms L126P.
Identifiers: ClinVar variation 4807017 (VCV004807017.1).

ClinVar aggregate classification (germline): Uncertain significance (1 of 4 stars; one submission).

gnomAD v4.1: 1 of 1,614,134 alleles (0.000062%); no homozygotes.

Submission:

Labcorp Genetics (formerly Invitae), Labcorp
Classification: Uncertain significance. Last evaluated: 2025-11-13. Review status: criteria provided, single submitter. Criteria: Invitae Variant Classification Sherloc (09022015). Collection method: clinical testing. Allele origin: germline.
Comment: This sequence change replaces leucine, which is neutral and non-polar, with proline, which is neutral and non-polar, at codon 126 of the FOXC2 protein (p.Leu126Pro). This variant is not present in population databases (gnomAD no frequency). This variant has not been reported in the literature in individuals affected with FOXC2-related conditions. An algorithm developed to predict the effect of missense changes on protein structure and function (PolyPhen-2) suggests that this variant is likely to be disruptive. In summary, the available evidence is currently insufficient to determine the role of this variant in disease. Therefore, it has been classified as a Variant of Uncertain Significance.